The following is an entry in ClinVar:

NM_000257.4(MYH7):c.4678C>T (p.Arg1560Trp)

Genes: MHRT (myosin heavy chain associated RNA transcript; plus strand), MYH7 (myosin heavy chain 7; minus strand), LOC126861897 (BRD4-independent group 4 enhancer GRCh37_chr14:23884455-23885654; plus strand). Cytogenetic location: 14q11.2.
Variant type: single nucleotide variant.
Coding change: c.4678C>T on transcript NM_000257.4 (MANE Select); coding-DNA position 4678, C replaced by T.
Protein change: p.Arg1560Trp; replaces arginine 1560 with tryptophan.
Molecular consequence: missense variant. On other transcripts: non-coding transcript variant (1).
Genome position (GRCh38, 1-based): chr14:23,416,279, G>A on the plus strand (C>T on the coding strand, the complement: MYH7 is on the minus strand). VCF-style: chr14-23416279-G-A. GRCh37 (hg19) VCF-style: chr14-23885488-G-A.
Other names: short protein forms R1560W.
Identifiers: ClinVar variation 662307 (VCV000662307.13), dbSNP rs368722536, ClinGen allele CA043564.

ClinVar aggregate classification (germline): Conflicting classifications of pathogenicity. Review status: criteria provided, conflicting classifications (1 of 4 stars). 4 submissions from 4 submitters: Likely pathogenic (1); Uncertain significance (3). Last evaluated 2026-01-05.

Conditions:
Cardiomyopathy (CMYO). Also called: Cardiomyopathies. Identifiers: Orphanet 167848, MedGen C0878544, MONDO:0004994, HP:0001638. Inheritance: Various modes of inheritance.
Hypertrophic cardiomyopathy. Also called: HYPERTROPHIC MYOCARDIOPATHY. Identifiers: Orphanet 217569, MedGen C0007194, MeSH D002312, MONDO:0005045, HP:0001639.

Allele frequency attached by ClinVar (database versions not stated): gnomAD exomes below 0.00001.
gnomAD v4.1: 6 of 1,613,110 alleles (0.00037%); highest among the groups gnomAD compares: South Asian, 0.0022%; no homozygotes.

Submissions (4):

Labcorp Genetics (formerly Invitae), Labcorp
Classification: Likely pathogenic for Hypertrophic cardiomyopathy. Last evaluated: 2026-01-05. Review status: criteria provided, single submitter. Criteria: Invitae Variant Classification Sherloc (09022015). Collection method: clinical testing. Allele origin: germline.
Comment: This sequence change replaces arginine, which is basic and polar, with tryptophan, which is neutral and slightly polar, at codon 1560 of the MYH7 protein (p.Arg1560Trp). This variant is present in population databases (rs368722536, gnomAD 0.0009%). This missense change has been observed in individual(s) with dilated cardiomyopathy (PMID: 31983221). ClinVar contains an entry for this variant (Variation ID: 662307). Invitae Evidence Modeling of protein sequence and biophysical properties (such as structural, functional, and spatial information, amino acid conservation, physicochemical variation, residue mobility, and thermodynamic stability) indicates that this missense variant is expected to disrupt MYH7 protein function with a positive predictive value of 95%. This variant disrupts the p.Arg1560 amino acid residue in MYH7. Other variant(s) that disrupt this residue have been determined to be pathogenic (PMID: 30166250). This suggests that this residue is clinically significant, and that variants that disrupt this residue are likely to be disease-causing. In summary, the currently available evidence indicates that the variant is pathogenic, but additional data are needed to prove that conclusively. Therefore, this variant has been classified as Likely Pathogenic.

Blueprint Genetics
Classification: Uncertain significance. Last evaluated: 2024-02-23. Review status: criteria provided, single submitter. Criteria: ACMG Guidelines, 2015. Collection method: clinical testing. Allele origin: germline.

All of Us Research Program, National Institutes of Health
Classification: Uncertain significance for Cardiomyopathy. Last evaluated: 2023-12-01. Review status: criteria provided, single submitter. Criteria: ACMG Guidelines, 2015. Collection method: clinical testing. Allele origin: germline. Inheritance: Autosomal dominant inheritance. Observed: 4 variant alleles, 4 heterozygotes.
Comment: This missense variant replaces arginine with tryptophan at codon 1560 of the MYH7 protein. Computational prediction suggests that this variant may have deleterious impact on protein structure and function (internally defined REVEL score threshold >= 0.7, PMID: 27666373). To our knowledge, functional studies have not been reported for this variant. This variant has been reported in an individual affected with dilated cardiomyopathy (PMID: 31983221). This variant has been identified in 1/250954 chromosomes in the general population by the Genome Aggregation Database (gnomAD). The available evidence is insufficient to determine the role of this variant in disease conclusively. Therefore, this variant is classified as a Variant of Uncertain Significance.

This study involves interpretation of variants in research participants for the purpose of population health screening. Participant phenotype was not available at the time of variant classification. Additional details can be found in publication PMID: 35346344, PMCID: PMC8962531

Color Diagnostics, LLC DBA Color Health
Classification: Uncertain significance for Cardiomyopathy. Last evaluated: 2023-09-20. Review status: criteria provided, single submitter. Criteria: ACMG Guidelines, 2015. Collection method: clinical testing. Allele origin: germline.
Comment: This missense variant replaces arginine with tryptophan at codon 1560 of the MYH7 protein. Computational prediction suggests that this variant may have deleterious impact on protein structure and function (internally defined REVEL score threshold >= 0.7, PMID: 27666373). To our knowledge, functional studies have not been reported for this variant. This variant has been reported in an individual affected with dilated cardiomyopathy (PMID: 31983221). This variant has been identified in 1/250954 chromosomes in the general population by the Genome Aggregation Database (gnomAD). The available evidence is insufficient to determine the role of this variant in disease conclusively. Therefore, this variant is classified as a Variant of Uncertain Significance.

Literature cited by the submitters: PubMed 31983221 (cited by 3 submitters); PubMed 30166250 (cited by Labcorp Genetics (formerly Invitae), Labcorp).